The following is an entry in ClinVar:

NM_000384.3(APOB):c.12367A>C (p.Ile4123Leu)

Gene: APOB (apolipoprotein B; minus strand). Cytogenetic location: 2p24.1.
Variant type: single nucleotide variant.
Coding change: c.12367A>C on transcript NM_000384.3 (MANE Select); coding-DNA position 12367, A replaced by C.
Protein change: p.Ile4123Leu; replaces isoleucine 4123 with leucine.
Molecular consequence: missense variant.
Genome position (GRCh38, 1-based): chr2:21,003,055, T>G on the plus strand (A>C on the coding strand, the complement: APOB is on the minus strand). VCF-style: chr2-21003055-T-G. GRCh37 (hg19) VCF-style: chr2-21225927-T-G.
Other names: short protein forms I4123L.
Identifiers: ClinVar variation 3933010 (VCV003933010.1).
Genomic context (GRCh38, chr2:21,003,055, plus strand): 5'-CTTGGTAGGTCCCAGTGGTGCCACTGGCTGCTTTCTGGAACCTCACGTCGATATCATCAA[T>G]TTGCCTAATGGCCCCTTGATAAACCCACTCAGCATTGTTCTGCAGATTTCTTCTCAGCTT-3'
Protein context (NP_000375.3, residues 4113-4133): EWVYQGAIRQ[Ile4123Leu]DDIDVRFQKA

ClinVar aggregate classification (germline): Uncertain significance (1 of 4 stars; one submission).

Conditions:
Cardiovascular phenotype. Identifiers: MedGen CN230736.

gnomAD v4.1: 4 of 1,570,382 alleles (0.00025%); highest among the groups gnomAD compares: South Asian, 0.0048%; no homozygotes.

Submission:

Ambry Genetics
Classification: Uncertain significance for Cardiovascular phenotype. Last evaluated: 2025-05-05. Review status: criteria provided, single submitter. Criteria: Ambry Variant Classification Scheme 2023. Collection method: clinical testing. Allele origin: germline.
Comment: The p.I4123L variant (also known as c.12367A>C), located in coding exon 29 of the APOB gene, results from an A to C substitution at nucleotide position 12367. The isoleucine at codon 4123 is replaced by leucine, an amino acid with highly similar properties. This amino acid position is conserved. In addition, this alteration is predicted to be tolerated by in silico analysis. Based on the available evidence, the clinical significance of this variant remains unclear.